The following is an entry in ClinVar:

ClinVar aggregate classification (germline): Pathogenic (1 of 4 stars; one submission).

Conditions:
Holocarboxylase synthetase deficiency. Also called: MULTIPLE CARBOXYLASE DEFICIENCY, EARLY ONSET. Identifiers: Orphanet 79242, MedGen C0268581, MONDO:0009666, OMIM 253270.

Submission:

Labcorp Genetics (formerly Invitae), Labcorp
Classification: Pathogenic for Holocarboxylase synthetase deficiency. Last evaluated: 2023-07-07. Review status: criteria provided, single submitter. Criteria: Invitae Variant Classification Sherloc (09022015). Collection method: clinical testing. Allele origin: unknown.
Comment: For these reasons, this variant has been classified as Pathogenic. This variant disrupts a region of the HLCS protein in which other variant(s) (p.Val363Asp) have been determined to be pathogenic (PMID: 8817339, 10068510, 10590022, 19806568; Invitae). This suggests that this is a clinically significant region of the protein, and that variants that disrupt it are likely to be disease-causing. This variant has not been reported in the literature in individuals affected with HLCS-related conditions. This variant is a gross deletion of the genomic region encompassing exon(s) 6 of the HLCS gene. This variant would be expected to be in-frame, preserving the integrity of the reading frame.

Literature cited by the submitters: PubMed 8817339; PubMed 10068510; PubMed 10590022; PubMed 19806568.

NC_000021.8:g.(?_38302531)_(38302753_?)del

Gene: HLCS (holocarboxylase synthetase; minus strand). Cytogenetic location: 21q22.13.
Variant type: Deletion.
Identifiers: ClinVar variation 3248145 (VCV003248145.1).